The following is an entry in ClinVar:

ClinVar aggregate classification (germline): Pathogenic. Review status: criteria provided, single submitter (1 of 4 stars). 2 submissions from 2 submitters: Pathogenic (1). 1 of the submissions does not count toward it. Last evaluated 2022-12-12.

Conditions:
Glycine encephalopathy 1 (GCE1). Identifiers: MedGen CN376801, MONDO:0958179, OMIM 605899.

Allele frequency attached by ClinVar (database versions not stated): TOPMed below 0.00001.

Submissions (2):

Laboratoire Génétique Moléculaire, CHRU TOURS
Classification: Pathogenic for Glycine encephalopathy 1. Last evaluated: 2022-12-12. Review status: criteria provided, single submitter. Criteria: ACMG Guidelines, 2015. Collection method: clinical testing. Allele origin: unknown. Affected: no.
Comment: PVS1;PM2;PM3

Counsyl
Classification: Uncertain significance for Glycine encephalopathy 1. Last evaluated: 2017-04-24. Review status: no assertion criteria provided. Collection method: clinical testing. Allele origin: unknown. Not counted in ClinVar's aggregate classification.

NM_000481.4(AMT):c.1153C>T (p.Gln385Ter)

Gene: AMT (aminomethyltransferase; minus strand). Cytogenetic location: 3p21.31.
Variant type: single nucleotide variant.
Coding change: c.1153C>T on transcript NM_000481.4 (MANE Select); coding-DNA position 1153, C replaced by T.
Protein change: p.Gln385Ter; replaces glutamine 385 with a stop codon.
Molecular consequence: nonsense. On other transcripts: non-coding transcript variant (1), intron variant (1).
Genome position (GRCh38, 1-based): chr3:49,417,599, G>A on the plus strand (C>T on the coding strand, the complement: AMT is on the minus strand). VCF-style: chr3-49417599-G-A. GRCh37 (hg19) VCF-style: chr3-49455032-G-A.
Other names: c.1021C>T, p.Gln341Ter (NM_001164710.2); c.985C>T, p.Gln329Ter (NM_001164711.2); c.1137+16C>T (NM_001164712.2); short protein forms Q385*, Q329*, Q341*.
Identifiers: ClinVar variation 551610 (VCV000551610.3), dbSNP rs1553638206, ClinGen allele CA352788673.